The following is an entry in ClinVar:

NM_001256789.3(CACNA1F):c.955G>T (p.Ala319Ser)

Gene: CACNA1F (calcium voltage-gated channel subunit alpha1 F; minus strand). Cytogenetic location: Xp11.23.
Variant type: single nucleotide variant.
Coding change: c.955G>T on transcript NM_001256789.3 (MANE Select); coding-DNA position 955, G replaced by T.
Protein change: p.Ala319Ser; replaces alanine 319 with serine.
Molecular consequence: missense variant.
Genome position (GRCh38, 1-based): chrX:49,228,310, C>A on the plus strand (G>T on the coding strand, the complement: CACNA1F is on the minus strand). VCF-style: chrX-49228310-C-A. GRCh37 (hg19) VCF-style: chrX-49084772-C-A.
Other names: c.760G>T, p.Ala254Ser (NM_001256790.3); c.955G>T, p.Ala319Ser (NM_005183.4); short protein forms A319S, A254S.
Identifiers: ClinVar variation 2037637 (VCV002037637.4), dbSNP rs146010954, ClinGen allele CA412922604.

ClinVar aggregate classification (germline): Uncertain significance (1 of 4 stars; one submission).

gnomAD v4.1: 1 of 1,211,569 alleles (0.000083%); highest among the groups gnomAD compares: Non-Finnish European, 0.00011%; no homozygotes.

Submission:

Labcorp Genetics (formerly Invitae), Labcorp
Classification: Uncertain significance. Last evaluated: 2024-02-24. Review status: criteria provided, single submitter. Criteria: Invitae Variant Classification Sherloc (09022015). Collection method: clinical testing. Allele origin: germline.
Comment: This sequence change replaces alanine, which is neutral and non-polar, with serine, which is neutral and polar, at codon 319 of the CACNA1F protein (p.Ala319Ser). This variant is not present in population databases (gnomAD no frequency). This variant has not been reported in the literature in individuals affected with CACNA1F-related conditions. ClinVar contains an entry for this variant (Variation ID: 2037637). Advanced modeling of protein sequence and biophysical properties (such as structural, functional, and spatial information, amino acid conservation, physicochemical variation, residue mobility, and thermodynamic stability) performed at Invitae indicates that this missense variant is not expected to disrupt CACNA1F protein function with a negative predictive value of 80%. In summary, the available evidence is currently insufficient to determine the role of this variant in disease. Therefore, it has been classified as a Variant of Uncertain Significance.